The following is an entry in ClinVar:

ClinVar aggregate classification (germline): Conflicting classifications of pathogenicity. Review status: criteria provided, conflicting classifications (1 of 4 stars). 2 submissions from 2 submitters: Uncertain significance (1); Likely benign (1). Last evaluated 2022-02-23.

Conditions:
Inborn genetic diseases. Identifiers: MedGen C0950123, MeSH D030342.

Allele frequency attached by ClinVar (database versions not stated): TOPMed below 0.00001.
gnomAD v4.1: 6 of 1,601,820 alleles (0.00037%); highest among the groups gnomAD compares: Non-Finnish European, 0.00043%; no homozygotes.

Submissions (2):

Labcorp Genetics (formerly Invitae), Labcorp
Classification: Uncertain significance. Last evaluated: 2022-02-23. Review status: criteria provided, single submitter. Criteria: Invitae Variant Classification Sherloc (09022015). Collection method: clinical testing. Allele origin: germline.
Comment: This sequence change replaces aspartic acid, which is acidic and polar, with glutamic acid, which is acidic and polar, at codon 283 of the ERCC2 protein (p.Asp283Glu). This variant is not present in population databases (gnomAD no frequency). This variant has not been reported in the literature in individuals affected with ERCC2-related conditions. Algorithms developed to predict the effect of missense changes on protein structure and function output the following: SIFT: "Tolerated"; PolyPhen-2: "Benign"; Align-GVGD: "Class C0". The glutamic acid amino acid residue is found in multiple mammalian species, which suggests that this missense change does not adversely affect protein function. In summary, the available evidence is currently insufficient to determine the role of this variant in disease. Therefore, it has been classified as a Variant of Uncertain Significance.

Ambry Genetics
Classification: Likely benign for Inborn genetic diseases. Last evaluated: 2022-01-10. Review status: criteria provided, single submitter. Criteria: Ambry Variant Classification Scheme 2023. Collection method: clinical testing. Allele origin: germline.

NM_000400.4(ERCC2):c.849C>G (p.Asp283Glu)

Gene: ERCC2 (ERCC excision repair 2, TFIIH core complex helicase subunit; minus strand). Cytogenetic location: 19q13.32.
Variant type: single nucleotide variant.
Coding change: c.849C>G on transcript NM_000400.4 (MANE Select); coding-DNA position 849, C replaced by G.
Protein change: p.Asp283Glu; replaces aspartic acid 283 with glutamic acid.
Molecular consequence: missense variant.
Genome position (GRCh38, 1-based): chr19:45,364,086, G>C on the plus strand (C>G on the coding strand, the complement: ERCC2 is on the minus strand). VCF-style: chr19-45364086-G-C. GRCh37 (hg19) VCF-style: chr19-45867344-G-C.
Other names: c.777C>G, p.Asp259Glu (NM_001130867.2); short protein forms D259E, D283E.
Identifiers: ClinVar variation 1763594 (VCV001763594.4), dbSNP rs1972331964, ClinGen allele CA406373720.